The following is an entry in ClinVar:

ClinVar aggregate classification (germline): Conflicting classifications of pathogenicity. Review status: criteria provided, conflicting classifications (1 of 4 stars). 3 submissions from 3 submitters: Uncertain significance (2); Benign (1). Last evaluated 2025-08-11.

Conditions:
CHARGE syndrome (CHARGE). Also called: Coloboma, heart anomaly, choanal atresia, retardation, genital and ear anomalies; CHARGE association; Hall-Hittner syndrome; Hittner Hirsch Kreh syndrome; CHARGE ASSOCIATION--COLOBOMA, HEART ANOMALY, CHOANAL ATRESIA, RETARDATION, GENITAL AND EAR ANOMALIES. Identifiers: Orphanet 138, MedGen C0265354, MONDO:0008965.
Hypogonadotropic hypogonadism 5 with or without anosmia (KAL5). Also called: HYPOGONADOTROPIC HYPOGONADISM 5 WITH ANOSMIA; HYPOGONADOTROPHIC HYPOGONADISM 5 WITHOUT ANOSMIA; CHD7-Related GnRH Deficiency (Kallmann Syndrome 5). Identifiers: Orphanet 478, MedGen C3552553, MONDO:0012880, OMIM 612370. Disease mechanism: loss of function.
CHD7-related disorder. Also called: CHD7-related condition.

Allele frequency attached by ClinVar (database versions not stated): gnomAD 0.00001; 1000 Genomes Project 30x 0.00016; 1000 Genomes Project 0.00020.
gnomAD v4.1: 5 of 1,609,150 alleles (0.00031%); highest among the groups gnomAD compares: South Asian, 0.0044%; no homozygotes.

Submissions (3):

Labcorp Genetics (formerly Invitae), Labcorp
Classification: Benign for CHARGE syndrome. Last evaluated: 2025-08-11. Review status: criteria provided, single submitter. Criteria: Invitae Variant Classification Sherloc (09022015). Collection method: clinical testing. Allele origin: germline.

PreventionGenetics, part of Exact Sciences
Classification: Uncertain significance for CHD7-related condition. Last evaluated: 2022-10-03. Review status: criteria provided, single submitter. Criteria: ACMG Guidelines, 2015. Collection method: clinical testing. Allele origin: germline.
Comment: The CHD7 c.7097T>C variant is predicted to result in the amino acid substitution p.Leu2366Pro. To our knowledge, this variant has not been reported in the literature. This variant is reported in 0.0034% of alleles in individuals of South Asian descent in gnomAD. At this time, the clinical significance of this variant is uncertain due to the absence of conclusive functional and genetic evidence.

Fulgent Genetics
Classification: Uncertain significance for CHD7-related CHARGE syndrome; Hypogonadotropic hypogonadism 5 with or without anosmia. Last evaluated: 2022-04-22. Review status: criteria provided, single submitter. Criteria: ACMG Guidelines, 2015. Collection method: clinical testing. Allele origin: unknown.

NM_017780.4(CHD7):c.7097T>C (p.Leu2366Pro)

Gene: CHD7 (chromodomain helicase DNA binding protein 7; plus strand). Cytogenetic location: 8q12.2.
Variant type: single nucleotide variant.
Coding change: c.7097T>C on transcript NM_017780.4 (MANE Select); coding-DNA position 7097, T replaced by C.
Protein change: p.Leu2366Pro; replaces leucine 2366 with proline.
Molecular consequence: missense variant. On other transcripts: intron variant (1).
Genome position (GRCh38, 1-based): chr8:60,856,135, T>C. VCF-style: chr8-60856135-T-C. GRCh37 (hg19) VCF-style: chr8-61768694-T-C.
Other names: c.1717-6094T>C (NM_001316690.1); short protein forms L2366P.
Identifiers: ClinVar variation 651173 (VCV000651173.10), dbSNP rs541818422, ClinGen allele CA4760735.